The following is an entry in ClinVar:

ClinVar aggregate classification (germline): Benign (0 of 4 stars; one submission).

Conditions:
REV3L-related disorder. Also called: REV3L-related condition.

Allele frequency attached by ClinVar (database versions not stated): ESP Exome Variant Server 0.00907; gnomAD 0.01424; TOPMed 0.01784; ExAC 0.01978; 1000 Genomes Project 0.02676; 1000 Genomes Project 30x 0.02873.
gnomAD v4.1: 22,824 of 1,614,112 alleles (1.4%); highest among the groups gnomAD compares: Admixed American, 7.8%; 354 homozygotes.

Submission:

PreventionGenetics, part of Exact Sciences
Classification: Benign for REV3L-related condition. Last evaluated: 2019-06-06. Review status: no assertion criteria provided. Collection method: clinical testing. Allele origin: germline.
Comment: This variant is classified as benign based on ACMG/AMP sequence variant interpretation guidelines (Richards et al. 2015 PMID: 25741868, with internal and published modifications).

NM_001372078.1(REV3L):c.5909G>A (p.Arg1970His)

Gene: REV3L (REV3 like, DNA directed polymerase zeta catalytic subunit; minus strand). Cytogenetic location: 6q21.
Variant type: single nucleotide variant.
Coding change: c.5909G>A on transcript NM_001372078.1 (MANE Select); coding-DNA position 5909, G replaced by A.
Protein change: p.Arg1970His; replaces arginine 1970 with histidine.
Molecular consequence: missense variant.
Genome position (GRCh38, 1-based): chr6:111,367,879, C>T on the plus strand (G>A on the coding strand, the complement: REV3L is on the minus strand). VCF-style: chr6-111367879-C-T. GRCh37 (hg19) VCF-style: chr6-111689082-C-T.
Other names: c.5675G>A, p.Arg1892His (NM_001286431.2, NM_001286432.2); c.5909G>A, p.Arg1970His (NM_002912.5); short protein forms R1892H, R1970H.
Identifiers: ClinVar variation 3041385 (VCV003041385.2), dbSNP rs3218606, ClinGen allele CA3961785.
Genomic context (GRCh38, chr6:111,367,879, plus strand): 5'-TTATCTTCAACCATCTTAGGGCTATTACTTGACCCTTTATTGACAACTCCTTGGCCACTG[C>T]GAAGGGGTGACCCTGGCCTTGGATTCTGAGTCATTGCTGAGAATGCTGTTTTCCAAAGAC-3'
Protein context (NP_001359007.1, residues 1960-1980): TQNPRPGSPL[Arg1970His]SGQGVVNKGS